The following is an entry in ClinVar:

NM_013328.4(PYCR2):c.410C>T (p.Thr137Met)

Gene: PYCR2 (pyrroline-5-carboxylate reductase 2; minus strand). Cytogenetic location: 1q42.12.
Variant type: single nucleotide variant.
Coding change: c.410C>T on transcript NM_013328.4 (MANE Select); coding-DNA position 410, C replaced by T.
Protein change: p.Thr137Met; replaces threonine 137 with methionine.
Molecular consequence: missense variant. On other transcripts: intron variant (1).
Genome position (GRCh38, 1-based): chr1:225,921,988, G>A on the plus strand (C>T on the coding strand, the complement: PYCR2 is on the minus strand). VCF-style: chr1-225921988-G-A. GRCh37 (hg19) VCF-style: chr1-226109688-G-A.
Other names: c.318+216C>T (NM_001271681.2); short protein forms T137M.
Identifiers: ClinVar variation 1440722 (VCV001440722.6), dbSNP rs763343748, ClinGen allele CA1420232.

ClinVar aggregate classification (germline): Uncertain significance (1 of 4 stars; one submission).

Allele frequency attached by ClinVar (database versions not stated): gnomAD 0.00001; gnomAD exomes 0.00001 and 0.00002; ExAC 0.00002; TOPMed 0.00004.
gnomAD v4.1: 18 of 1,614,052 alleles (0.0011%); highest among the groups gnomAD compares: South Asian, 0.0055%; no homozygotes.

Submission:

Labcorp Genetics (formerly Invitae), Labcorp
Classification: Uncertain significance. Last evaluated: 2025-10-13. Review status: criteria provided, single submitter. Criteria: Invitae Variant Classification Sherloc (09022015). Collection method: clinical testing. Allele origin: germline.
Comment: This sequence change replaces threonine, which is neutral and polar, with methionine, which is neutral and non-polar, at codon 137 of the PYCR2 protein (p.Thr137Met). This variant is present in population databases (rs763343748, gnomAD 0.006%). This variant has not been reported in the literature in individuals affected with PYCR2-related conditions. ClinVar contains an entry for this variant (Variation ID: 1440722). Invitae Evidence Modeling of protein sequence and biophysical properties (such as structural, functional, and spatial information, amino acid conservation, physicochemical variation, residue mobility, and thermodynamic stability) indicates that this missense variant is not expected to disrupt PYCR2 protein function with a negative predictive value of 80%. In summary, the available evidence is currently insufficient to determine the role of this variant in disease. Therefore, it has been classified as a Variant of Uncertain Significance.